The following is an entry in ClinVar:

ClinVar aggregate classification (germline): Likely pathogenic. Review status: criteria provided, multiple submitters, no conflicts (2 of 4 stars). 2 submissions from 2 submitters: Likely pathogenic (2). Last evaluated 2025-07-15.

Conditions:
VPS13B-related disorder. Also called: VPS13B-related condition.
Cohen syndrome (COH1). Also called: Cutis verticis gyrata, retinitis pigmentosa, and sensorineural deafness; PEPPER SYNDROME. Identifiers: Orphanet 193, MedGen C0265223, MONDO:0008999, OMIM 216550.

Submissions (2):

PreventionGenetics, part of Exact Sciences
Classification: Likely pathogenic for VPS13B-related condition. Last evaluated: 2025-07-15. Review status: criteria provided, single submitter. Criteria: ACMG Guidelines, 2015. Collection method: clinical testing. Allele origin: germline.
Comment: The VPS13B c.11786delA variant is predicted to result in a frameshift and premature protein termination (p.Asn3929Thrfs*59). This variant resides in the final exon of this gene, and it is unclear if the resulting mRNA would undergo nonsense-mediated decay. To our knowledge, this variant has not been reported in the literature or in a large population database (gnomAD), indicating this variant is rare. However, nearby truncating variants have been reported in individuals with Cohen syndrome (Kolehmainen et al. 2004. PubMed ID: 15141358; Zhao et al. 2015. PubMed ID: 25472526). Taken together, this variant is interpreted as likely pathogenic.

Fulgent Genetics
Classification: Likely pathogenic for Cohen syndrome. Last evaluated: 2024-06-25. Review status: criteria provided, single submitter. Criteria: ACMG Guidelines, 2015. Collection method: clinical testing. Allele origin: germline.

NM_152564.5(VPS13B):c.11786del (p.Asn3929fs)

Gene: VPS13B (vacuolar protein sorting 13 homolog B; plus strand). Cytogenetic location: 8q22.2.
Variant type: Deletion.
Coding change: c.11786del on transcript NM_152564.5 (MANE Select); coding-DNA position 11786, one base deleted (A; older notation c.11786delA).
Protein change: p.Asn3929fs; shifts the reading frame from asparagine 3929.
Molecular consequence: frameshift variant.
Genome position (GRCh38, 1-based): chr8:99,875,458, A deleted; the last of 2 consecutive A bases (chr8:99,875,457-99,875,458); deleting either gives the same sequence. VCF-style (leftmost placement, unchanged base first): chr8-99875456-CA-C. GRCh37 (hg19) VCF-style: chr8-100887684-CA-C.
Other names: c.11861del (NM_017890.4); c.11861delA, p.Asn3954Thrfs (NM_017890.4); c.11861del, p.Asn3954fs (NM_017890.5); short protein forms N3954fs, N3929fs.
Identifiers: ClinVar variation 3595019 (VCV003595019.2).